The following is an entry in ClinVar:

ClinVar aggregate classification (germline): Uncertain significance. Review status: criteria provided, multiple submitters, no conflicts (2 of 4 stars). 2 submissions from 2 submitters: Uncertain significance (2). Last evaluated 2024-03-26.

Conditions:
Glycine encephalopathy. Also called: Non-ketotic hyperglycinemia; Nonketotic hyperglycinemia. Identifiers: Orphanet 407, MedGen C0751748, MONDO:0011612, HP:0008288.

Allele frequency attached by ClinVar (database versions not stated): gnomAD 0.00002; TOPMed 0.00002.

Submissions (2):

GeneDx
Classification: Uncertain significance. Last evaluated: 2024-03-26. Review status: criteria provided, single submitter. Criteria: GeneDx Variant Classification Process June 2021. Collection method: clinical testing. Allele origin: germline. Affected: yes.
Comment: Not observed at significant frequency in large population cohorts (gnomAD); In silico analysis supports that this missense variant has a deleterious effect on protein structure/function; Has not been previously published as pathogenic or benign to our knowledge

Labcorp Genetics (formerly Invitae), Labcorp
Classification: Uncertain significance for Glycine encephalopathy. Last evaluated: 2022-06-24. Review status: criteria provided, single submitter. Criteria: Invitae Variant Classification Sherloc (09022015). Collection method: clinical testing. Allele origin: germline.
Comment: This sequence change replaces glutamic acid, which is acidic and polar, with aspartic acid, which is acidic and polar, at codon 934 of the GLDC protein (p.Glu934Asp). This variant is present in population databases (rs754188922, gnomAD 0.01%). This variant has not been reported in the literature in individuals affected with GLDC-related conditions. Algorithms developed to predict the effect of missense changes on protein structure and function are either unavailable or do not agree on the potential impact of this missense change (SIFT: "Tolerated"; PolyPhen-2: "Probably Damaging"; Align-GVGD: "Class C0"). In summary, the available evidence is currently insufficient to determine the role of this variant in disease. Therefore, it has been classified as a Variant of Uncertain Significance.

NM_000170.3(GLDC):c.2802G>T (p.Glu934Asp)

Gene: GLDC (glycine decarboxylase; minus strand). Cytogenetic location: 9p24.1.
Variant type: single nucleotide variant.
Coding change: c.2802G>T on transcript NM_000170.3 (MANE Select); coding-DNA position 2802, G replaced by T.
Protein change: p.Glu934Asp; replaces glutamic acid 934 with aspartic acid.
Molecular consequence: missense variant.
Genome position (GRCh38, 1-based): chr9:6,536,100, C>A on the plus strand (G>T on the coding strand, the complement: GLDC is on the minus strand). VCF-style: chr9-6536100-C-A. GRCh37 (hg19) VCF-style: chr9-6536100-C-A.
Other names: short protein forms E934D.
Identifiers: ClinVar variation 2141059 (VCV002141059.2), dbSNP rs754188922, ClinGen allele CA4980069.